The following is an entry in ClinVar:

ClinVar aggregate classification (germline): Uncertain significance (1 of 4 stars; one submission).

Conditions:
Joubert syndrome. Also called: CEREBELLOPARENCHYMAL DISORDER IV; JOUBERT-BOLTSHAUSER SYNDROME; Familial aplasia of the vermis. Identifiers: Orphanet 475, MedGen C5979921, MONDO:0018772.
Nephronophthisis. Also called: Juvenile Nephronophthisis. Identifiers: Orphanet 655, MedGen C0687120, MONDO:0019005, HP:0000090.
Meckel-Gruber syndrome. Also called: DYSENCEPHALIA SPLANCHNOCYSTICA; GRUBER SYNDROME; Dysencephalia splachnocystica. Identifiers: Orphanet 564, MedGen C0265215, MONDO:0018921.

Allele frequency attached by ClinVar (database versions not stated): gnomAD exomes 0.00001.
gnomAD v4.1: 10 of 1,514,152 alleles (0.00066%); highest among the groups gnomAD compares: Non-Finnish European, 0.00089%; no homozygotes.

Submission:

Labcorp Genetics (formerly Invitae), Labcorp
Classification: Uncertain significance for Joubert syndrome; Meckel-Gruber syndrome; Nephronophthisis. Last evaluated: 2022-03-12. Review status: criteria provided, single submitter. Criteria: Invitae Variant Classification Sherloc (09022015). Collection method: clinical testing. Allele origin: germline.
Comment: This sequence change replaces tyrosine, which is neutral and polar, with aspartic acid, which is acidic and polar, at codon 2275 of the CEP290 protein (p.Tyr2275Asp). This variant is not present in population databases (gnomAD no frequency). This variant has not been reported in the literature in individuals affected with CEP290-related conditions. Algorithms developed to predict the effect of missense changes on protein structure and function (SIFT, PolyPhen-2, Align-GVGD) all suggest that this variant is likely to be tolerated. In summary, the available evidence is currently insufficient to determine the role of this variant in disease. Therefore, it has been classified as a Variant of Uncertain Significance.

NM_025114.4(CEP290):c.6823T>G (p.Tyr2275Asp)

Gene: CEP290 (centrosomal protein 290; minus strand). Cytogenetic location: 12q21.32.
Variant type: single nucleotide variant.
Coding change: c.6823T>G on transcript NM_025114.4 (MANE Select); coding-DNA position 6823, T replaced by G.
Protein change: p.Tyr2275Asp; replaces tyrosine 2275 with aspartic acid.
Molecular consequence: missense variant.
Genome position (GRCh38, 1-based): chr12:88,055,713, A>C on the plus strand (T>G on the coding strand, the complement: CEP290 is on the minus strand). VCF-style: chr12-88055713-A-C. GRCh37 (hg19) VCF-style: chr12-88449490-A-C.
Other names: short protein forms Y2275D.
Identifiers: ClinVar variation 2064360 (VCV002064360.4), dbSNP rs973231335, ClinGen allele CA241147280.